The following is an entry in ClinVar:

NM_006279.5(ST3GAL3):c.660C>T (p.Tyr220=)

Gene: ST3GAL3 (ST3 beta-galactoside alpha-2,3-sialyltransferase 3; plus strand). Cytogenetic location: 1p34.1.
Variant type: single nucleotide variant.
Coding change: c.660C>T on transcript NM_006279.5 (MANE Select); coding-DNA position 660, C replaced by T.
Protein change: p.Tyr220=; no amino-acid change (tyrosine 220 retained).
Molecular consequence: synonymous variant. On other transcripts: non-coding transcript variant (5), intron variant (7).
Genome position (GRCh38, 1-based): chr1:43,899,643, C>T. VCF-style: chr1-43899643-C-T. GRCh37 (hg19) VCF-style: chr1-44365315-C-T.
Other names: c.867C>T (NM_174963.3); c.660C>T, p.Tyr220= (NM_001270459.2, NM_001350620.2, NM_174966.4); c.567C>T, p.Tyr189= (NM_001270460.2); c.612C>T, p.Tyr204= (NM_001270461.3, NM_174969.4); c.519C>T, p.Tyr173= (NM_001270462.3); c.705C>T, p.Tyr235= (NM_001350619.2, NM_174964.4); c.381C>T, p.Tyr127= (NM_001350621.2); c.822C>T, p.Tyr274= (NM_001363573.2, NM_174968.5); and 9 more.
Identifiers: ClinVar variation 199121 (VCV000199121.24), dbSNP rs201204481, ClinGen allele CA248148.

ClinVar aggregate classification (germline): Conflicting classifications of pathogenicity. Review status: criteria provided, conflicting classifications (1 of 4 stars). 5 submissions from 5 submitters: Uncertain significance (1); Benign (1); Likely benign (2). 1 of the submissions does not count toward it. Last evaluated 2026-04-01.

Conditions:
Early-infantile DEE. Also called: Early infantile epileptic encephalopathy; Early infantile epileptic encephalopathy with suppression bursts; Ohtahara syndrome. Identifiers: Orphanet 1934, MedGen C0393706, MONDO:0800491.
ST3GAL3-related disorder. Also called: ST3GAL3-related condition; ST3GAL3-Related Disorders.
Inborn genetic diseases. Identifiers: MedGen C0950123, MeSH D030342.

Allele frequency attached by ClinVar (database versions not stated): gnomAD 0.00004 and 0.00007; gnomAD exomes 0.00010 and 0.00047; TOPMed 0.00027; ExAC 0.00049; 1000 Genomes Project 0.00080; 1000 Genomes Project 30x 0.00094.
gnomAD v4.1: 154 of 1,614,162 alleles (0.0095%); highest among the groups gnomAD compares: Admixed American, 0.22%; 2 homozygotes.

Submissions (5):

CeGaT Center for Human Genetics Tuebingen
Classification: Likely benign. Last evaluated: 2026-04-01. Review status: criteria provided, single submitter. Criteria: CeGaT Center For Human Genetics Tuebingen Variant Classification Criteria Version 2. Collection method: clinical testing. Allele origin: germline. Affected: yes. Observed: 1 variant allele.
Comment: ST3GAL3: BP4, BP7

Labcorp Genetics (formerly Invitae), Labcorp
Classification: Benign for Early-infantile DEE. Last evaluated: 2026-01-19. Review status: criteria provided, single submitter. Criteria: Invitae Variant Classification Sherloc (09022015). Collection method: clinical testing. Allele origin: germline.

Ambry Genetics
Classification: Likely benign for Inborn genetic diseases. Last evaluated: 2016-12-19. Review status: criteria provided, single submitter. Criteria: Ambry Variant Classification Scheme 2023. Collection method: clinical testing. Allele origin: germline.

Eurofins Ntd Llc (ga)
Classification: Uncertain significance. Last evaluated: 2014-12-23. Review status: criteria provided, single submitter. Criteria: EGL Classification Definitions 2015. Collection method: clinical testing. Allele origin: germline. Observed: 1 variant allele, 1 heterozygote.

PreventionGenetics, part of Exact Sciences
Classification: Likely benign for ST3GAL3-related condition. Last evaluated: 2024-07-26. Review status: no assertion criteria provided. Collection method: clinical testing. Allele origin: germline. Not counted in ClinVar's aggregate classification.
Comment: This variant is classified as likely benign based on ACMG/AMP sequence variant interpretation guidelines (Richards et al. 2015 PMID: 25741868, with internal and published modifications).